The following is an entry in ClinVar:

NM_018699.4(PRDM5):c.1105A>G (p.Ile369Val)

Gene: PRDM5 (PR/SET domain 5; minus strand). Cytogenetic location: 4q27.
Variant type: single nucleotide variant.
Coding change: c.1105A>G on transcript NM_018699.4 (MANE Select); coding-DNA position 1105, A replaced by G.
Protein change: p.Ile369Val; replaces isoleucine 369 with valine.
Molecular consequence: missense variant.
Genome position (GRCh38, 1-based): chr4:120,798,350, T>C on the plus strand (A>G on the coding strand, the complement: PRDM5 is on the minus strand). VCF-style: chr4-120798350-T-C. GRCh37 (hg19) VCF-style: chr4-121719505-T-C.
Other names: c.1012A>G, p.Ile338Val (NM_001300823.2, NM_001300824.2, NM_001379106.1); c.1138A>G, p.Ile380Val (NM_001379104.1); short protein forms I338V, I380V, I369V.
Identifiers: ClinVar variation 5027261 (VCV005027261.1).

ClinVar aggregate classification (germline): Uncertain significance (1 of 4 stars; one submission).

Conditions:
Cardiovascular phenotype. Identifiers: MedGen CN230736.

gnomAD v4.1: 2 of 1,613,642 alleles (0.00012%); highest among the groups gnomAD compares: South Asian, 0.0022%; no homozygotes.

Submission:

Ambry Genetics
Classification: Uncertain significance for Cardiovascular phenotype. Last evaluated: 2026-07-19. Review status: criteria provided, single submitter. Criteria: Ambry Variant Classification Scheme 2023. Collection method: clinical testing. Allele origin: germline.
Comment: The p.I369V variant (also known as c.1105A>G), located in coding exon 10 of the PRDM5 gene, results from an A to G substitution at nucleotide position 1105. The isoleucine at codon 369 is replaced by valine, an amino acid with highly similar properties. This amino acid position is conserved. In addition, this alteration is predicted to be tolerated by in silico analysis. Based on the available evidence, the clinical significance of this variant remains unclear.